The following is an entry in ClinVar:

ClinVar aggregate classification (germline): Likely benign (1 of 4 stars; one submission).

Allele frequency attached by ClinVar (database versions not stated): 1000 Genomes Project 30x 0.00359; 1000 Genomes Project 0.00379; TOPMed 0.00392; ESP Exome Variant Server 0.00638.
gnomAD v4.1: 8,830 of 1,614,090 alleles (0.55%); highest among the groups gnomAD compares: Non-Finnish European, 0.56%; 42 homozygotes.

Submissions (35):

CeGaT Center for Human Genetics Tuebingen
Classification: Likely benign. Last evaluated: 2023-04-01. Review status: criteria provided, single submitter. Criteria: CeGaT Center For Human Genetics Tuebingen Variant Classification Criteria Version 2. Collection method: clinical testing. Allele origin: germline. Affected: yes. Observed: 1 variant allele.
Comment: ACTR1B: BS2

Dr. Peter K. Rogan Lab, Western University
No classification provided (evidence only). Condition: Clear cell carcinoma of kidney. Review status: no classification provided. Collection method: in vitro. Allele origin: not applicable. Functional consequence: retained intron. Not counted in ClinVar's aggregate classification.

Dr. Peter K. Rogan Lab, Western University
No classification provided (evidence only). Condition: Melanoma. Review status: no classification provided. Collection method: in vitro. Allele origin: not applicable. Functional consequence: retained intron. Not counted in ClinVar's aggregate classification.

Dr. Peter K. Rogan Lab, Western University
No classification provided (evidence only). Condition: Acute myeloid leukemia. Review status: no classification provided. Collection method: in vitro. Allele origin: not applicable. Functional consequence: retained intron. Not counted in ClinVar's aggregate classification.

Dr. Peter K. Rogan Lab, Western University
No classification provided (evidence only). Condition: Acute myeloid leukemia. Review status: no classification provided. Collection method: in vitro. Allele origin: not applicable. Functional consequence: retained intron. Not counted in ClinVar's aggregate classification.

Dr. Peter K. Rogan Lab, Western University
No classification provided (evidence only). Condition: Colon adenocarcinoma. Review status: no classification provided. Collection method: in vitro. Allele origin: not applicable. Functional consequence: retained intron. Not counted in ClinVar's aggregate classification.

Dr. Peter K. Rogan Lab, Western University
No classification provided (evidence only). Condition: Colon adenocarcinoma. Review status: no classification provided. Collection method: in vitro. Allele origin: not applicable. Functional consequence: retained intron. Not counted in ClinVar's aggregate classification.

Dr. Peter K. Rogan Lab, Western University
No classification provided (evidence only). Condition: Thyroid cancer, nonmedullary, 1. Review status: no classification provided. Collection method: in vitro. Allele origin: not applicable. Functional consequence: retained intron. Not counted in ClinVar's aggregate classification.

Dr. Peter K. Rogan Lab, Western University
No classification provided (evidence only). Condition: Uterine corpus endometrial carcinoma. Review status: no classification provided. Collection method: in vitro. Allele origin: not applicable. Functional consequence: retained intron. Not counted in ClinVar's aggregate classification.

Dr. Peter K. Rogan Lab, Western University
No classification provided (evidence only). Condition: Uterine corpus endometrial carcinoma. Review status: no classification provided. Collection method: in vitro. Allele origin: not applicable. Functional consequence: retained intron. Not counted in ClinVar's aggregate classification.

Dr. Peter K. Rogan Lab, Western University
No classification provided (evidence only). Condition: Cervical cancer. Review status: no classification provided. Collection method: in vitro. Allele origin: not applicable. Functional consequence: retained intron. Not counted in ClinVar's aggregate classification.

Dr. Peter K. Rogan Lab, Western University
No classification provided (evidence only). Condition: Cervical cancer. Review status: no classification provided. Collection method: in vitro. Allele origin: not applicable. Functional consequence: retained intron. Not counted in ClinVar's aggregate classification.

Dr. Peter K. Rogan Lab, Western University
No classification provided (evidence only). Condition: Cervical cancer. Review status: no classification provided. Collection method: in vitro. Allele origin: not applicable. Functional consequence: retained intron. Not counted in ClinVar's aggregate classification.

Dr. Peter K. Rogan Lab, Western University
No classification provided (evidence only). Condition: Cervical cancer. Review status: no classification provided. Collection method: in vitro. Allele origin: not applicable. Functional consequence: retained intron. Not counted in ClinVar's aggregate classification.

Dr. Peter K. Rogan Lab, Western University
No classification provided (evidence only). Condition: Cervical cancer. Review status: no classification provided. Collection method: in vitro. Allele origin: not applicable. Functional consequence: retained intron. Not counted in ClinVar's aggregate classification.

Dr. Peter K. Rogan Lab, Western University
No classification provided (evidence only). Condition: Sarcoma. Review status: no classification provided. Collection method: in vitro. Allele origin: not applicable. Functional consequence: retained intron. Not counted in ClinVar's aggregate classification.

Dr. Peter K. Rogan Lab, Western University
No classification provided (evidence only). Condition: Malignant lymphoma, large B-cell, diffuse. Review status: no classification provided. Collection method: in vitro. Allele origin: not applicable. Functional consequence: retained intron. Not counted in ClinVar's aggregate classification.

Dr. Peter K. Rogan Lab, Western University
No classification provided (evidence only). Condition: Hepatocellular carcinoma. Review status: no classification provided. Collection method: in vitro. Allele origin: not applicable. Functional consequence: retained intron. Not counted in ClinVar's aggregate classification.

Dr. Peter K. Rogan Lab, Western University
No classification provided (evidence only). Condition: Hepatocellular carcinoma. Review status: no classification provided. Collection method: in vitro. Allele origin: not applicable. Functional consequence: retained intron. Not counted in ClinVar's aggregate classification.

Dr. Peter K. Rogan Lab, Western University
No classification provided (evidence only). Condition: Thymoma. Review status: no classification provided. Collection method: in vitro. Allele origin: not applicable. Functional consequence: retained intron. Not counted in ClinVar's aggregate classification.

Dr. Peter K. Rogan Lab, Western University
No classification provided (evidence only). Condition: Ovarian serous cystadenocarcinoma. Review status: no classification provided. Collection method: in vitro. Allele origin: not applicable. Functional consequence: retained intron. Not counted in ClinVar's aggregate classification.

Dr. Peter K. Rogan Lab, Western University
No classification provided (evidence only). Condition: Ovarian serous cystadenocarcinoma. Review status: no classification provided. Collection method: in vitro. Allele origin: not applicable. Functional consequence: retained intron. Not counted in ClinVar's aggregate classification.

Dr. Peter K. Rogan Lab, Western University
No classification provided (evidence only). Condition: Ovarian serous cystadenocarcinoma. Review status: no classification provided. Collection method: in vitro. Allele origin: not applicable. Functional consequence: retained intron. Not counted in ClinVar's aggregate classification.

Dr. Peter K. Rogan Lab, Western University
No classification provided (evidence only). Condition: Ovarian serous cystadenocarcinoma. Review status: no classification provided. Collection method: in vitro. Allele origin: not applicable. Functional consequence: retained intron. Not counted in ClinVar's aggregate classification.

Dr. Peter K. Rogan Lab, Western University
No classification provided (evidence only). Condition: Ovarian serous cystadenocarcinoma. Review status: no classification provided. Collection method: in vitro. Allele origin: not applicable. Functional consequence: retained intron. Not counted in ClinVar's aggregate classification.

Dr. Peter K. Rogan Lab, Western University
No classification provided (evidence only). Condition: Ovarian serous cystadenocarcinoma. Review status: no classification provided. Collection method: in vitro. Allele origin: not applicable. Functional consequence: retained intron. Not counted in ClinVar's aggregate classification.

Dr. Peter K. Rogan Lab, Western University
No classification provided (evidence only). Condition: Ovarian serous cystadenocarcinoma. Review status: no classification provided. Collection method: in vitro. Allele origin: not applicable. Functional consequence: retained intron. Not counted in ClinVar's aggregate classification.

Dr. Peter K. Rogan Lab, Western University
No classification provided (evidence only). Condition: Gastric cancer. Review status: no classification provided. Collection method: in vitro. Allele origin: not applicable. Functional consequence: retained intron. Not counted in ClinVar's aggregate classification.

Dr. Peter K. Rogan Lab, Western University
No classification provided (evidence only). Condition: Gastric cancer. Review status: no classification provided. Collection method: in vitro. Allele origin: not applicable. Functional consequence: retained intron. Not counted in ClinVar's aggregate classification.

Dr. Peter K. Rogan Lab, Western University
No classification provided (evidence only). Condition: Gastric cancer. Review status: no classification provided. Collection method: in vitro. Allele origin: not applicable. Functional consequence: retained intron. Not counted in ClinVar's aggregate classification.

Dr. Peter K. Rogan Lab, Western University
No classification provided (evidence only). Condition: Gastric cancer. Review status: no classification provided. Collection method: in vitro. Allele origin: not applicable. Functional consequence: retained intron. Not counted in ClinVar's aggregate classification.

Dr. Peter K. Rogan Lab, Western University
No classification provided (evidence only). Condition: Uterine carcinosarcoma. Review status: no classification provided. Collection method: in vitro. Allele origin: not applicable. Functional consequence: retained intron. Not counted in ClinVar's aggregate classification.

Dr. Peter K. Rogan Lab, Western University
No classification provided (evidence only). Condition: Nonpapillary renal cell carcinoma. Review status: no classification provided. Collection method: in vitro. Allele origin: not applicable. Functional consequence: retained intron. Not counted in ClinVar's aggregate classification.

Dr. Peter K. Rogan Lab, Western University
No classification provided (evidence only). Condition: Nonpapillary renal cell carcinoma. Review status: no classification provided. Collection method: in vitro. Allele origin: not applicable. Functional consequence: retained intron. Not counted in ClinVar's aggregate classification.

Dr. Peter K. Rogan Lab, Western University
No classification provided (evidence only). Condition: Lymphoma. Review status: no classification provided. Collection method: in vitro. Allele origin: not applicable. Functional consequence: retained intron. Not counted in ClinVar's aggregate classification.

NM_005735.4(ACTR1B):c.333G>A (p.Thr111=)

Gene: ACTR1B (actin related protein 1B; minus strand). Cytogenetic location: 2q11.2.
Variant type: single nucleotide variant.
Coding change: c.333G>A on transcript NM_005735.4 (MANE Select); coding-DNA position 333, G replaced by A.
Protein change: p.Thr111=; no amino-acid change (threonine 111 retained).
Molecular consequence: synonymous variant.
Genome position (GRCh38, 1-based): chr2:97,658,986, C>T on the plus strand (G>A on the coding strand, the complement: ACTR1B is on the minus strand). VCF-style: chr2-97658986-C-T. GRCh37 (hg19) VCF-style: chr2-98275449-C-T.
Other names: NC_000002.11:g.98275449C>T.
Identifiers: ClinVar variation 2651171 (VCV002651171.25), dbSNP rs142996046, ClinGen allele CA1789838.
Genomic context (GRCh38, chr2:97,658,986, plus strand): 5'-GGTCTCAAAGAACACCTCTGCCGCCTTCTCCCGGTTCTTACTCGGGTTGAGCGGGGCCTC[C>T]GTGAGGAGCACAGGATGCTGCGAGGGACGGGACAGTTGTAGGCATCAGAGGAGGCAACTT-3'
Protein context (NP_005726.1, residues 101-121): TFSEEHPVLL[Thr111=]EAPLNPSKNR